The following is an entry in ClinVar:

NM_000051.4(ATM):c.8194T>A (p.Phe2732Ile)

Genes: ATM (ATM serine/threonine kinase; plus strand), C11orf65 (chromosome 11 open reading frame 65; minus strand). Cytogenetic location: 11q22.3.
Variant type: single nucleotide variant.
Coding change: c.8194T>A on transcript NM_000051.4 (MANE Select); coding-DNA position 8194, T replaced by A.
Protein change: p.Phe2732Ile; replaces phenylalanine 2732 with isoleucine.
Molecular consequence: missense variant. On other transcripts: intron variant (2).
Genome position (GRCh38, 1-based): chr11:108,335,887, T>A. VCF-style: chr11-108335887-T-A. GRCh37 (hg19) VCF-style: chr11-108206614-T-A.
Other names: c.8194T>A, p.Phe2732Ile (NM_001351834.2); c.641-26816A>T (NM_001330368.2); c.695-595A>T (NM_001351110.2); short protein forms F2732I.
Identifiers: ClinVar variation 1496199 (VCV001496199.9), dbSNP rs876659619, ClinGen allele CA382562543.

ClinVar aggregate classification (germline): Uncertain significance. Review status: criteria provided, multiple submitters, no conflicts (2 of 4 stars). 2 submissions from 2 submitters: Uncertain significance (2). Last evaluated 2026-07-17.

Conditions:
Hereditary cancer-predisposing syndrome. Also called: Neoplastic Syndromes, Hereditary; Tumor predisposition; Hereditary Cancer Syndrome; Hereditary neoplastic syndrome. Identifiers: Orphanet 140162, MedGen C0027672, MeSH D009386, MONDO:0015356.
Ataxia-telangiectasia syndrome (AT). Also called: LOUIS-BAR SYNDROME; Cerebello-oculocutaneous telangiectasia; Immunodeficiency with ataxia telangiectasia; Ataxia telangiectasia (A-T); Ataxia-telangiectasia, complementation group D; AT, COMPLEMENTATION GROUP C. Identifiers: Orphanet 100, MedGen C0004135, MONDO:0008840, OMIM 208900.

Submissions (2):

Ambry Genetics
Classification: Uncertain significance for Hereditary cancer-predisposing syndrome. Last evaluated: 2026-07-17. Review status: criteria provided, single submitter. Criteria: Ambry Variant Classification Scheme 2023. Collection method: clinical testing. Allele origin: germline.
Comment: The p.F2732I variant (also known as c.8194T>A), located in coding exon 55 of the ATM gene, results from a T to A substitution at nucleotide position 8194. The phenylalanine at codon 2732 is replaced by isoleucine, an amino acid with highly similar properties. In an assay testing ATM function, this variant showed a functionally abnormal result (Lee KS et al. Cell, 2025 Sep;188:5081-5099.e27). This amino acid position is highly conserved in available vertebrate species. In addition, this alteration is predicted to be deleterious by in silico analysis. Based on the available evidence, the clinical significance of this variant remains unclear.

Labcorp Genetics (formerly Invitae), Labcorp
Classification: Uncertain significance for Ataxia-telangiectasia syndrome. Last evaluated: 2022-08-10. Review status: criteria provided, single submitter. Criteria: Invitae Variant Classification Sherloc (09022015). Collection method: clinical testing. Allele origin: germline.
Comment: Algorithms developed to predict the effect of sequence changes on RNA splicing suggest that this variant may create or strengthen a splice site. Advanced modeling of protein sequence and biophysical properties (such as structural, functional, and spatial information, amino acid conservation, physicochemical variation, residue mobility, and thermodynamic stability) performed at Invitae indicates that this missense variant is expected to disrupt ATM protein function. ClinVar contains an entry for this variant (Variation ID: 1496199). This variant has not been reported in the literature in individuals affected with ATM-related conditions. This variant is not present in population databases (gnomAD no frequency). This sequence change replaces phenylalanine, which is neutral and non-polar, with isoleucine, which is neutral and non-polar, at codon 2732 of the ATM protein (p.Phe2732Ile). In summary, the available evidence is currently insufficient to determine the role of this variant in disease. Therefore, it has been classified as a Variant of Uncertain Significance.

Literature cited by the submitters: PubMed 40580951 (cited by Ambry Genetics).